The following is an entry in ClinVar:

ClinVar aggregate classification (germline): Uncertain significance (1 of 4 stars; one submission).

Submission:

Labcorp Genetics (formerly Invitae), Labcorp
Classification: Uncertain significance. Last evaluated: 2022-10-23. Review status: criteria provided, single submitter. Criteria: Invitae Variant Classification Sherloc (09022015). Collection method: clinical testing. Allele origin: germline.
Comment: In summary, the available evidence is currently insufficient to determine the role of this variant in disease. Therefore, it has been classified as a Variant of Uncertain Significance. Advanced modeling of protein sequence and biophysical properties (such as structural, functional, and spatial information, amino acid conservation, physicochemical variation, residue mobility, and thermodynamic stability) performed at Invitae indicates that this missense variant is expected to disrupt TNFAIP3 protein function. This variant has not been reported in the literature in individuals affected with TNFAIP3-related conditions. This variant is not present in population databases (gnomAD no frequency). This sequence change replaces cysteine, which is neutral and slightly polar, with phenylalanine, which is neutral and non-polar, at codon 495 of the TNFAIP3 protein (p.Cys495Phe).

NM_001270508.2(TNFAIP3):c.1484G>T (p.Cys495Phe)

Gene: TNFAIP3 (TNF alpha induced protein 3; plus strand). Cytogenetic location: 6q23.3.
Variant type: single nucleotide variant.
Coding change: c.1484G>T on transcript NM_001270508.2 (MANE Select); coding-DNA position 1484, G replaced by T.
Protein change: p.Cys495Phe; replaces cysteine 495 with phenylalanine.
Molecular consequence: missense variant.
Genome position (GRCh38, 1-based): chr6:137,878,929, G>T. VCF-style: chr6-137878929-G-T. GRCh37 (hg19) VCF-style: chr6-138200066-G-T.
Other names: c.1484G>T, p.Cys495Phe (NM_001270507.2, NM_006290.4); short protein forms C495F.
Identifiers: ClinVar variation 1722080 (VCV001722080.5), dbSNP rs2482754671, ClinGen allele CA365790982.